The following is an entry in ClinVar:

NM_000520.6(HEXA):c.459+5G>A

Gene: HEXA (hexosaminidase subunit alpha; minus strand). Cytogenetic location: 15q23.
Variant type: single nucleotide variant.
Coding change: c.459+5G>A on transcript NM_000520.6 (MANE Select); 5 bases into the intron after coding-DNA position 459, G replaced by A.
Molecular consequence: intron variant.
Genome position (GRCh38, 1-based): chr15:72,353,686, C>T on the plus strand (G>A on the coding strand, the complement: HEXA is on the minus strand). VCF-style: chr15-72353686-C-T. GRCh37 (hg19) VCF-style: chr15-72646027-C-T.
Other names: c.492+5G>A (NM_001318825.2); c.459+5G>A (NM_000520.5).
Identifiers: ClinVar variation 374505 (VCV000374505.66), dbSNP rs762060470, ClinGen allele CA7645005.

ClinVar aggregate classification (germline): Pathogenic. Review status: criteria provided, multiple submitters, no conflicts (2 of 4 stars). 12 submissions from 12 submitters: Pathogenic (11). 1 of the submissions does not count toward it. Last evaluated 2026-07-01.

Conditions:
Tay-Sachs disease (TSD). Also called: GM2 gangliosidosis, type 1; Hexosaminidase alpha-subunit deficiency (variant B); Sphingolipidosis, Tay-Sachs; HEXA Disorders; HEXA DEFICIENCY; Hexosaminidase A Deficiency. Identifiers: Orphanet 845, MedGen C0039373, MONDO:0010100, OMIM 272800.

Allele frequency attached by ClinVar (database versions not stated): ExAC 0.00002; gnomAD exomes 0.00003; gnomAD 0.00007 and 0.00009; TOPMed 0.00007.
gnomAD v4.1: 29 of 1,609,330 alleles (0.0018%); highest among the groups gnomAD compares: Admixed American, 0.03%; no homozygotes.

Submissions (12):

CeGaT Center for Human Genetics Tuebingen
Classification: Pathogenic. Last evaluated: 2026-07-01. Review status: criteria provided, single submitter. Criteria: CeGaT Center For Human Genetics Tuebingen Variant Classification Criteria Version 2. Collection method: clinical testing. Allele origin: germline. Affected: yes. Observed: 2 variant alleles.
Comment: HEXA: PM3:Very Strong, PVS1, PM2

Labcorp Genetics (formerly Invitae), Labcorp
Classification: Pathogenic for Tay-Sachs disease. Last evaluated: 2026-02-03. Review status: criteria provided, single submitter. Criteria: Invitae Variant Classification Sherloc (09022015). Collection method: clinical testing. Allele origin: germline.
Comment: This sequence change falls in intron 4 of the HEXA gene. It does not directly change the encoded amino acid sequence of the HEXA protein. It affects a nucleotide within the consensus splice site. This variant is present in population databases (rs762060470, gnomAD 0.02%). This variant has been observed in individuals with Tay-Sachs disease (PMID: 1837283, 22441121, 22789865, 27896118). It is commonly reported in individuals of Spanish and Argentinian ancestry (PMID: 1837283, 22441121, 22789865, 27896118). This variant is also known as IVS4+5G>A. ClinVar contains an entry for this variant (Variation ID: 374505). Variants that disrupt the consensus splice site are a relatively common cause of aberrant splicing (PMID: 17576681, 9536098). Algorithms developed to predict the effect of sequence changes on RNA splicing suggest that this variant may disrupt the consensus splice site. For these reasons, this variant has been classified as Pathogenic.

Natera, Inc.
Classification: Pathogenic for Tay-Sachs disease. Last evaluated: 2026-01-22. Review status: criteria provided, single submitter. Criteria: Natera Variant Classification Schema (03/2026). Collection method: clinical testing. Allele origin: germline.
Comment: The c.459+5G>A variant in HEXA is an intronic variant located outside the canonical splice sites. This variant is rare in the general population with a frequency below the threshold expected for the associated phenotype(s). This variant has been observed in one or more individuals affected with the associated recessive disease, as either homozygous or compound heterozygous with a second variant (PMID: 22789865). Computational prediction algorithms indicate this variant is likely to affect gene or protein function. Given the available evidence, this variant is classified as Pathogenic.

Otogenetics
Classification: Pathogenic for Tay-Sachs disease. Last evaluated: 2025-12-05. Review status: criteria provided, single submitter. Criteria: ACMG Guidelines, 2015. Collection method: clinical testing. Allele origin: germline.
Comment: PS3_Supporting: Well-established in vitro and in vivo functional studies supportive of damaging effect on the gene product, with low residual enzymatic activity relative to wild-type reported (PMID: 1837283); PM2: Maximum gnomAD MAF of 0.0198% in American (AMR) subpopulation (<0.249% threshold); PM3_VeryStrong: Variant reported in homozygous state in two affected individuals and in trans with 9 pathogenic variants in 9 individuals affected with Tay Sachs disease (PMID: 22441121, 22789865); PP3: In-silico models predict deleterious effect (SpliceAI = 0.63, dbscSNV Ada = 1)

3billion
Classification: Pathogenic for Tay-Sachs disease. Last evaluated: 2025-10-16. Review status: criteria provided, single submitter. Criteria: ACMG Guidelines, 2015. Collection method: clinical testing. Allele origin: germline. Affected: yes.
Comment: The variant is observed at an extremely low frequency in the gnomAD v4.1.0 dataset (total allele frequency: 0.002%). Predicted Consequence/Location: Intron variant: previously reported to alter splicing (PMID: 1837283). In silico tools predict the variant to alter splicing and produce an abnormal transcript [SpliceAI: 0.63 (spliceogenicity >=0.2, non-spliceogenicity <0.1)]. Intron variant: previously reported to alter splicing (PMID: 1837283). Therefore, this variant is classified as Pathogenic according to the recommendation of ACMG/AMP guideline.

Dasa
Classification: Pathogenic. Last evaluated: 2025-03-08. Review status: criteria provided, single submitter. Criteria: DASA Assertion Criteria. Collection method: clinical testing. Allele origin: germline.
Comment: NM_000520.6(HEXA):c.459+5G>A is a splice-region variant predicted to affect normal RNA splicing. This variant has been recurrently observed in individuals with related phenotype (PMID: 1837283; PMID: 22441121; PMID: 22789865; PMID: 27896118). Multiple computational predictions support a deleterious effect on the gene or gene product. The variant is present at low frequency in population datasets. Based on the available data, this variant is classified as pathogenic.

Women's Health and Genetics/Laboratory Corporation of America, LabCorp
Classification: Pathogenic for Tay-Sachs disease. Last evaluated: 2025-03-05. Review status: criteria provided, single submitter. Criteria: LabCorp Variant Classification Summary - May 2015. Collection method: clinical testing. Allele origin: germline.
Comment: Variant summary: HEXA c.459+5G>A alters a conserved nucleotide located close to a canonical splice site and therefore could affect mRNA splicing, leading to a significantly altered protein sequence. Several computational tools predict a significant impact on normal splicing: Three predict the variant abolishes the canonical 5' splicing donor site. One predict the variant weakens the canonical 5' donor site. At least one publication reports experimental evidence that this variant affects mRNA splicing. The variant allele was found at a frequency of 2.8e-05 in 251424 control chromosomes. c.459+5G>A has been reported in the literature in multiple individuals affected with Tay-Sachs Disease (Gort_2012, Giraud_2010, Akli_1991). These data indicate that the variant is very likely to be associated with disease. The following publications have been ascertained in the context of this evaluation (PMID: 22789865, 20100466, 1837283). ClinVar contains an entry for this variant (Variation ID: 374505). Based on the evidence outlined above, the variant was classified as pathogenic.

Mayo Clinic Laboratories, Mayo Clinic
Classification: Pathogenic. Last evaluated: 2024-05-09. Review status: criteria provided, single submitter. Criteria: ACMG Guidelines, 2015. Collection method: clinical testing. Allele origin: germline. Observed: 1 variant allele.
Comment: PP4, PM2, PM3_very_strong, PS4

GeneDx
Classification: Pathogenic. Last evaluated: 2022-07-07. Review status: criteria provided, single submitter. Criteria: GeneDx Variant Classification Process June 2021. Collection method: clinical testing. Allele origin: germline. Affected: yes.
Comment: Intronic +5 splice site variant in a gene for which loss-of-function is a known mechanism of disease, and functional analysis found this variant results in abnormal splicing (Akli et al., 1991); This variant is associated with the following publications: (PMID: 8044648, 27896118, 22441121, 25525159, 1837283, 9150157, 22723944, 24498621, 22789865, 34426522)

Fulgent Genetics
Classification: Pathogenic for Tay-Sachs disease. Last evaluated: 2022-03-08. Review status: criteria provided, single submitter. Criteria: ACMG Guidelines, 2015. Collection method: clinical testing. Allele origin: unknown.

HudsonAlpha Institute for Biotechnology
Classification: Pathogenic for Tay-Sachs disease. Last evaluated: 2017-02-09. Review status: criteria provided, single submitter. Criteria: HA_assertions_20150911. Collection method: research. Allele origin: unknown. Observed: 1 variant allele. Study: CSER-HudsonAlpha.

Foundation for Research in Genetics and Endocrinology, FRIGE's Institute of Human Genetics
Classification: Pathogenic for Tay-Sachs disease. Last evaluated: 2012-09-22. Review status: no assertion criteria provided. Collection method: research. Allele origin: germline. Inheritance: Autosomal recessive inheritance. Affected: yes. Observed: 1 compound heterozygote. Not counted in ClinVar's aggregate classification.

Literature cited by the submitters: PubMed 1837283 (cited by 6 submitters); PubMed 22441121 (cited by 5 submitters); PubMed 22789865 (cited by 7 submitters); PubMed 27896118 (cited by 4 submitters); PubMed 17576681 (cited by Labcorp Genetics (formerly Invitae), Labcorp); PubMed 9536098 (cited by Labcorp Genetics (formerly Invitae), Labcorp); PubMed 20100466 (cited by Women's Health and Genetics/Laboratory Corporation of America, LabCorp and Mayo Clinic Laboratories, Mayo Clinic); PubMed 36233161 (cited by Mayo Clinic Laboratories, Mayo Clinic).